The following is an entry in ClinVar:

ClinVar aggregate classification (germline): Pathogenic. Review status: criteria provided, multiple submitters, no conflicts (2 of 4 stars). 2 submissions from 2 submitters: Pathogenic (2). Last evaluated 2021-11-18.

Conditions:
Cystinuria (CSNU). Also called: CYSTINURIA, TYPE I; CYSTINURIA, TYPE II; CYSTINURIA, TYPE III; Cystinuria, non-type I. Identifiers: Orphanet 214, MedGen C0010691, MONDO:0009067, OMIM 220100, HP:0003131.

Submissions (2):

Labcorp Genetics (formerly Invitae), Labcorp
Classification: Pathogenic. Last evaluated: 2021-11-18. Review status: criteria provided, single submitter. Criteria: Invitae Variant Classification Sherloc (09022015). Collection method: clinical testing. Allele origin: germline.
Comment: For these reasons, this variant has been classified as Pathogenic. This variant disrupts a region of the SLC7A9 protein in which other variant(s) (p.Pro482Leu) have been determined to be pathogenic (PMID: 16609684). This suggests that this is a clinically significant region of the protein, and that variants that disrupt it are likely to be disease-causing. This variant has not been reported in the literature in individuals affected with SLC7A9-related conditions. This variant is present in population databases (rs753692696, gnomAD 0.006%). This sequence change creates a premature translational stop signal (p.Ser421Cysfs*66) in the SLC7A9 gene. While this is not anticipated to result in nonsense mediated decay, it is expected to disrupt the last 67 amino acid(s) of the SLC7A9 protein.

Fulgent Genetics
Classification: Pathogenic for Cystinuria. Last evaluated: 2021-06-30. Review status: criteria provided, single submitter. Criteria: ACMG Guidelines, 2015. Collection method: clinical testing. Allele origin: unknown.
Comment: This variant has been detected in individual(s) who were sent for testing of Renasight - kidney gene panel.

Literature cited by the submitters: PubMed 16609684 (cited by Labcorp Genetics (formerly Invitae), Labcorp).

NM_014270.5(SLC7A9):c.1262_1263del (p.Ser421fs)

Gene: SLC7A9 (solute carrier family 7 member 9; minus strand). Cytogenetic location: 19q13.11.
Variant type: Microsatellite.
Coding change: c.1262_1263del on transcript NM_014270.5 (MANE Select); coding-DNA positions 1262 to 1263, 2 bases deleted (CT; older notation c.1262_1263delCT).
Protein change: p.Ser421fs; shifts the reading frame from serine 421.
Molecular consequence: frameshift variant.
Genome position (GRCh38, 1-based): chr19:32,833,285-32,833,286, AG deleted on the plus strand (CT on the coding strand, the reverse complement: SLC7A9 is on the minus strand); deleting any 2 consecutive bases within chr19:32,833,285-32,833,289 gives the same sequence; the c. name uses the placement nearest the transcript's 3' end. VCF-style (leftmost placement, unchanged base first): chr19-32833284-CAG-C. GRCh37 (hg19) VCF-style: chr19-33324190-CAG-C.
Other names: c.1262_1263del, p.Ser421fs (NM_001126335.2, NM_001243036.2); short protein forms S421fs.
Identifiers: ClinVar variation 1179151 (VCV001179151.8), dbSNP rs753692696, ClinGen allele CA9358443.